The following is an entry in ClinVar:

ClinVar aggregate classification (germline): Uncertain significance (1 of 4 stars; one submission).

Conditions:
Congenital brain dysgenesis due to glutamine synthetase deficiency (GLND). Also called: GLUTAMINE SYNTHASE DEFICIENCY, CONGENITAL SYSTEMIC. Identifiers: Orphanet 71278, MedGen C1864910, MONDO:0012393, OMIM 610015.

gnomAD v4.1: 1 of 1,613,572 alleles (0.000062%); highest among the groups gnomAD compares: Non-Finnish European, 0.000085%; no homozygotes.

Submission:

Labcorp Genetics (formerly Invitae), Labcorp
Classification: Uncertain significance for Congenital brain dysgenesis due to glutamine synthetase deficiency. Last evaluated: 2025-12-27. Review status: criteria provided, single submitter. Criteria: Invitae Variant Classification Sherloc (09022015). Collection method: clinical testing. Allele origin: germline.
Comment: This sequence change replaces aspartic acid, which is acidic and polar, with asparagine, which is neutral and polar, at codon 34 of the GLUL protein (p.Asp34Asn). This variant is not present in population databases (gnomAD no frequency). This variant has not been reported in the literature in individuals affected with GLUL-related conditions. Invitae Evidence Modeling of protein sequence and biophysical properties (such as structural, functional, and spatial information, amino acid conservation, physicochemical variation, residue mobility, and thermodynamic stability) indicates that this missense variant is not expected to disrupt GLUL protein function with a negative predictive value of 80%. In summary, the available evidence is currently insufficient to determine the role of this variant in disease. Therefore, it has been classified as a Variant of Uncertain Significance.

NM_001033044.4(GLUL):c.100G>A (p.Asp34Asn)

Gene: GLUL (glutamate-ammonia ligase; minus strand). Cytogenetic location: 1q25.3.
Variant type: single nucleotide variant.
Coding change: c.100G>A on transcript NM_001033044.4 (MANE Select); coding-DNA position 100, G replaced by A.
Protein change: p.Asp34Asn; replaces aspartic acid 34 with asparagine.
Molecular consequence: missense variant.
Genome position (GRCh38, 1-based): chr1:182,388,638, C>T on the plus strand (G>A on the coding strand, the complement: GLUL is on the minus strand). VCF-style: chr1-182388638-C-T. GRCh37 (hg19) VCF-style: chr1-182357773-C-T.
Other names: c.100G>A, p.Asp34Asn (NM_001033056.4, NM_002065.7); short protein forms D34N.
Identifiers: ClinVar variation 4741309 (VCV004741309.1).